The following is an entry in ClinVar:

NM_001347886.2(DNAH3):c.2683A>G (p.Ile895Val)

Gene: DNAH3 (dynein axonemal heavy chain 3; minus strand). Cytogenetic location: 16p12.3.
Variant type: single nucleotide variant.
Coding change: c.2683A>G on transcript NM_001347886.2 (MANE Select); coding-DNA position 2683, A replaced by G.
Protein change: p.Ile895Val; replaces isoleucine 895 with valine.
Molecular consequence: missense variant.
Genome position (GRCh38, 1-based): chr16:21,086,905, T>C on the plus strand (A>G on the coding strand, the complement: DNAH3 is on the minus strand). VCF-style: chr16-21086905-T-C. GRCh37 (hg19) VCF-style: chr16-21098226-T-C.
Other names: c.2821A>G, p.Ile941Val (NM_017539.2); short protein forms I895V, I941V.
Identifiers: ClinVar variation 2646300 (VCV002646300.24), dbSNP rs367853997, ClinGen allele CA395024672.

ClinVar aggregate classification (germline): Uncertain significance (1 of 4 stars; one submission).

Allele frequency attached by ClinVar (database versions not stated): gnomAD exomes below 0.00001.
gnomAD v4.1: 1 of 1,614,218 alleles (0.000062%); highest among the groups gnomAD compares: Non-Finnish European, 0.000085%; no homozygotes.

Submission:

CeGaT Center for Human Genetics Tuebingen
Classification: Uncertain significance. Last evaluated: 2023-03-01. Review status: criteria provided, single submitter. Criteria: CeGaT Center For Human Genetics Tuebingen Variant Classification Criteria Version 2. Collection method: clinical testing. Allele origin: germline. Affected: yes. Observed: 1 variant allele.
Comment: DNAH3: PM2, PP3